The following is an entry in ClinVar:

ClinVar aggregate classification (germline): Uncertain significance (1 of 4 stars; one submission).

Submission:

Labcorp Genetics (formerly Invitae), Labcorp
Classification: Uncertain significance. Last evaluated: 2022-04-20. Review status: criteria provided, single submitter. Criteria: Invitae Variant Classification Sherloc (09022015). Collection method: clinical testing. Allele origin: germline.
Comment: This variant has not been reported in the literature in individuals affected with PPCS-related conditions. Experimental studies and prediction algorithms are not available or were not evaluated, and the functional significance of this variant is currently unknown. In summary, the available evidence is currently insufficient to determine the role of this variant in disease. Therefore, it has been classified as a Variant of Uncertain Significance. This variant is not present in population databases (gnomAD no frequency). This sequence change creates a premature translational stop signal (p.Thr304Serfs*5) in the PPCS gene. While this is not anticipated to result in nonsense mediated decay, it is expected to disrupt the last 8 amino acid(s) of the PPCS protein.

NM_024664.4(PPCS):c.911_912del (p.Thr304fs)

Genes: CCDC30 (coiled-coil domain containing 30; plus strand), PPCS (phosphopantothenoylcysteine synthetase; plus strand). Cytogenetic location: 1p34.2.
Variant type: Microsatellite.
Coding change: c.911_912del on transcript NM_024664.4 (MANE Select); coding-DNA positions 911 to 912, 2 bases deleted (CA; older notation c.911_912delCA).
Protein change: p.Thr304fs; shifts the reading frame from threonine 304.
Molecular consequence: frameshift variant. On other transcripts: intron variant (2).
Genome position (GRCh38, 1-based): chr1:42,459,901-42,459,902, CA deleted; deleting any 2 consecutive bases within chr1:42,459,896-42,459,902 gives the same sequence; the c. name uses the placement nearest the transcript's 3' end. VCF-style (leftmost placement, unchanged base first): chr1-42459895-GAC-G. GRCh37 (hg19) VCF-style: chr1-42925566-GAC-G.
Other names: c.392_393del, p.Thr131fs (NM_001077447.3, NM_001287506.1, NM_001287508.2 and 2 more transcripts); c.293_294del, p.Thr98fs (NM_001287507.1); c.-880+2546AC[2] (NM_001355226.2); c.612+2546AC[2] (NM_001287511.2); short protein forms T304fs, T131fs, T98fs.
Identifiers: ClinVar variation 2128332 (VCV002128332.2), dbSNP rs2522634196, ClinGen allele CA2580611438.
Genomic context (GRCh38, chr1:42,459,895, plus strand): 5'-AGGAAGAAATAGAAAAAGGCGTAGAGATAGAAGAGAAGATAGTGGATAATCTTCAGTCTC[GAC>G]ACACAGCTTTTATAGGTGACAGAAACTGAAGTAAAAAGCCCTTATAGGATCAAAAATTGT-3'